The following is an entry in ClinVar:

NM_007194.4(CHEK2):c.1576G>A (p.Glu526Lys)

Gene: CHEK2 (checkpoint kinase 2; minus strand). Cytogenetic location: 22q12.1.
Variant type: single nucleotide variant.
Coding change: c.1576G>A on transcript NM_007194.4 (MANE Select); coding-DNA position 1576, G replaced by A.
Protein change: p.Glu526Lys; replaces glutamic acid 526 with lysine.
Molecular consequence: missense variant.
Genome position (GRCh38, 1-based): chr22:28,687,953, C>T on the plus strand (G>A on the coding strand, the complement: CHEK2 is on the minus strand). VCF-style: chr22-28687953-C-T. GRCh37 (hg19) VCF-style: chr22-29083941-C-T.
Other names: c.1705G>A, p.Glu569Lys (NM_001005735.3); c.913G>A, p.Glu305Lys (NM_001257387.3); c.1375G>A, p.Glu459Lys (NM_001349956.3); c.1489G>A, p.Glu497Lys (NM_145862.3); short protein forms E526K, E305K, E459K, E497K, E569K.
Identifiers: ClinVar variation 479599 (VCV000479599.15), dbSNP rs1555911587, ClinGen allele CA411091281.

ClinVar aggregate classification (germline): Uncertain significance. Review status: criteria provided, multiple submitters, no conflicts (2 of 4 stars). 2 submissions from 2 submitters: Uncertain significance (2). Last evaluated 2025-11-17.

Conditions:
Hereditary cancer-predisposing syndrome. Also called: Hereditary Cancer Syndrome; Neoplastic Syndromes, Hereditary; Tumor predisposition; Hereditary neoplastic syndrome. Identifiers: Orphanet 140162, MedGen C0027672, MeSH D009386, MONDO:0015356.
Familial cancer of breast. Also called: BREAST CANCER, FAMILIAL; Hereditary breast cancer; hereditary breast carcinoma. Identifiers: Orphanet 227535, MedGen C0346153, MONDO:0016419, OMIM 114480. Disease mechanism: loss of function.

Allele frequency attached by ClinVar (database versions not stated): TOPMed below 0.00001.

Submissions (2):

Labcorp Genetics (formerly Invitae), Labcorp
Classification: Uncertain significance for Familial cancer of breast. Last evaluated: 2025-11-17. Review status: criteria provided, single submitter. Criteria: Invitae Variant Classification Sherloc (09022015). Collection method: clinical testing. Allele origin: germline.
Comment: This sequence change replaces glutamic acid, which is acidic and polar, with lysine, which is basic and polar, at codon 526 of the CHEK2 protein (p.Glu526Lys). This variant is not present in population databases (gnomAD no frequency). This variant has not been reported in the literature in individuals affected with CHEK2-related conditions. ClinVar contains an entry for this variant (Variation ID: 479599). An algorithm developed to predict the effect of missense changes on protein structure and function (PolyPhen-2) suggests that this variant is likely to be tolerated. In summary, the available evidence is currently insufficient to determine the role of this variant in disease. Therefore, it has been classified as a Variant of Uncertain Significance.

Ambry Genetics
Classification: Uncertain significance for Hereditary cancer-predisposing syndrome. Last evaluated: 2025-01-20. Review status: criteria provided, single submitter. Criteria: Ambry Variant Classification Scheme 2023. Collection method: clinical testing. Allele origin: germline.
Comment: The p.E526K variant (also known as c.1576G>A), located in coding exon 14 of the CHEK2 gene, results from a G to A substitution at nucleotide position 1576. The glutamic acid at codon 526 is replaced by lysine, an amino acid with similar properties. This variant was reported as functional in a study assessing CHEK2-complementation through quantification of KAP1 phosphorylation and CHK2 autophosphorylation in human RPE1-CHEK2-knockout cells (Stolarova L et al. Clin Cancer Res, 2023 Aug;29:3037-3050). This amino acid position is well conserved in available vertebrate species. In addition, this alteration is predicted to be tolerated by in silico analysis. Based on the available evidence, the clinical significance of this variant remains unclear.

Literature cited by the submitters: PubMed 37449874 (cited by Ambry Genetics).